The following is an entry in ClinVar:

ClinVar aggregate classification (germline): Uncertain significance (1 of 4 stars; one submission).

Submission:

GeneDx
Classification: Uncertain significance. Last evaluated: 2024-10-30. Review status: criteria provided, single submitter. Criteria: GeneDx Variant Classification Process June 2021. Collection method: clinical testing. Allele origin: germline. Affected: yes.
Comment: Not observed at significant frequency in large population cohorts (gnomAD); In silico analysis supports that this missense variant has a deleterious effect on protein structure/function; Has not been previously published as pathogenic or benign to our knowledge

NM_000217.3(KCNA1):c.1078C>T (p.Pro360Ser)

Gene: KCNA1 (potassium voltage-gated channel subfamily A member 1; plus strand). Cytogenetic location: 12p13.32.
Variant type: single nucleotide variant.
Coding change: c.1078C>T on transcript NM_000217.3 (MANE Select); coding-DNA position 1078, C replaced by T.
Protein change: p.Pro360Ser; replaces proline 360 with serine.
Molecular consequence: missense variant.
Genome position (GRCh38, 1-based): chr12:4,912,456, C>T. VCF-style: chr12-4912456-C-T. GRCh37 (hg19) VCF-style: chr12-5021622-C-T.
Other names: short protein forms P360S.
Identifiers: ClinVar variation 3897503 (VCV003897503.1).